The following is an entry in ClinVar:

NM_004360.5(CDH1):c.2240A>G (p.Asp747Gly)

Gene: CDH1 (cadherin 1; plus strand). Cytogenetic location: 16q22.1.
Variant type: single nucleotide variant.
Coding change: c.2240A>G on transcript NM_004360.5 (MANE Select); coding-DNA position 2240, A replaced by G.
Protein change: p.Asp747Gly; replaces aspartic acid 747 with glycine.
Molecular consequence: missense variant.
Genome position (GRCh38, 1-based): chr16:68,828,249, A>G. VCF-style: chr16-68828249-A-G. GRCh37 (hg19) VCF-style: chr16-68862152-A-G.
Other names: c.2057A>G, p.Asp686Gly (NM_001317184.2); c.692A>G, p.Asp231Gly (NM_001317185.2); c.275A>G, p.Asp92Gly (NM_001317186.2); c.2240A>G (LRG_301t1); short protein forms D747G, D686G, D92G, D231G.
Identifiers: ClinVar variation 406625 (VCV000406625.9), dbSNP rs1060501222, ClinGen allele CA16614995.

ClinVar aggregate classification (germline): Uncertain significance (1 of 4 stars; one submission).

Conditions:
Hereditary diffuse gastric adenocarcinoma (HDGC). Also called: DIFFUSE GASTRIC AND LOBULAR BREAST CANCER SYNDROME. Identifiers: Orphanet 26106, MedGen C1708349, MONDO:0007648, OMIM 137215.

Submission:

Labcorp Genetics (formerly Invitae), Labcorp
Classification: Uncertain significance for Hereditary diffuse gastric adenocarcinoma. Last evaluated: 2016-09-01. Review status: criteria provided, single submitter. Criteria: Invitae Variant Classification Sherloc (09022015). Collection method: clinical testing. Allele origin: germline.
Comment: In summary, this variant is a novel missense change with uncertain impact on protein function. It has been classified as a Variant of Uncertain Significance. Algorithms developed to predict the effect of missense changes on protein structure and function do not agree on the potential impact of this missense change (SIFT: "Deleterious"; PolyPhen-2: "Probably Damaging"; Align-GVGD: "Class C15"). This variant is not present in population databases (ExAC no frequency) and has not been reported in the literature in individuals with a CDH1-related disease. This sequence change replaces aspartic acid with glycine at codon 747 of the CDH1 protein (p.Asp747Gly). The aspartic acid residue is highly conserved and there is a moderate physicochemical difference between aspartic acid and glycine.